The following is an entry in ClinVar:

NM_001349253.2(SCN11A):c.3689A>G (p.Asn1230Ser)

Genes: SCN11A (sodium voltage-gated channel alpha subunit 11; minus strand), LOC126806652 (CDK7 strongly-dependent group 2 enhancer GRCh37_chr3:38912374-38913573; plus strand). Cytogenetic location: 3p22.2.
Variant type: single nucleotide variant.
Coding change: c.3689A>G on transcript NM_001349253.2 (MANE Select); coding-DNA position 3689, A replaced by G.
Protein change: p.Asn1230Ser; replaces asparagine 1230 with serine.
Molecular consequence: missense variant.
Genome position (GRCh38, 1-based): chr3:38,871,515, T>C on the plus strand (A>G on the coding strand, the complement: SCN11A is on the minus strand). VCF-style: chr3-38871515-T-C. GRCh37 (hg19) VCF-style: chr3-38913006-T-C.
Other names: c.3689A>G, p.Asn1230Ser (NM_014139.3); short protein forms N1230S.
Identifiers: ClinVar variation 541552 (VCV000541552.9), dbSNP rs765543089, ClinGen allele CA2321737.

ClinVar aggregate classification (germline): Uncertain significance. Review status: criteria provided, multiple submitters, no conflicts (2 of 4 stars). 4 submissions from 4 submitters: Uncertain significance (4). Last evaluated 2026-02-23.

Conditions:
SCN11A-related disorder. Also called: SCN11A-related condition.
Inborn genetic diseases. Identifiers: MedGen C0950123, MeSH D030342.
Hereditary sensory and autonomic neuropathy type 7. Also called: Neuropathy, hereditary sensory and autonomic, type VII; HSAN VII. Identifiers: Orphanet 391397, MedGen C3809882, MONDO:0014244, OMIM 615548.
Familial episodic pain syndrome with predominantly lower limb involvement. Also called: Episodic pain syndrome, familial, 3. Identifiers: Orphanet 391384, Orphanet 391392, MedGen C3809899, MONDO:0014247, OMIM 615552.

Allele frequency attached by ClinVar (database versions not stated): ExAC 0.00002; gnomAD exomes 0.00002; TOPMed 0.00008; gnomAD 0.00011 and 0.00012.
gnomAD v4.1: 78 of 1,613,028 alleles (0.0048%); highest among the groups gnomAD compares: African/African-American, 0.016%; no homozygotes.

Submissions (4):

PreventionGenetics, part of Exact Sciences
Classification: Uncertain significance for SCN11A-related condition. Last evaluated: 2026-02-23. Review status: criteria provided, single submitter. Criteria: ACMG Guidelines, 2015. Collection method: clinical testing. Allele origin: germline.
Comment: The SCN11A c.3689A>G variant is predicted to result in the amino acid substitution p.Asn1230Ser. To our knowledge, this variant has not been reported in the literature. This variant is reported in 0.0099% of alleles in individuals of South Asian descent in gnomAD. At this time, the clinical significance of this variant is uncertain due to the absence of conclusive functional and genetic evidence.

Women's Health and Genetics/Laboratory Corporation of America, LabCorp
Classification: Uncertain significance. Last evaluated: 2026-02-17. Review status: criteria provided, single submitter. Criteria: LabCorp Variant Classification Summary - May 2015. Collection method: clinical testing. Allele origin: germline.
Comment: Variant summary: SCN11A c.3689A>G (p.Asn1230Ser) results in a conservative amino acid change in the encoded protein sequence. Algorithms developed to predict the effect of missense changes on protein structure and function are either unavailable or do not agree on the potential impact of this missense change. The variant allele was found at a frequency of 2e-05 in 249920 control chromosomes. The available data on variant occurrences in the general population are insufficient to allow any conclusion about variant significance. To our knowledge, no occurrence of c.3689A>G in individuals affected with SCN11A-related conditions and no experimental evidence demonstrating its impact on protein function have been reported. ClinVar contains an entry for this variant (Variation ID: 541552). Based on the evidence outlined above, the variant was classified as uncertain significance.

Ambry Genetics
Classification: Uncertain significance for Inborn genetic diseases. Last evaluated: 2025-08-04. Review status: criteria provided, single submitter. Criteria: Ambry Variant Classification Scheme 2023. Collection method: clinical testing. Allele origin: germline.

Labcorp Genetics (formerly Invitae), Labcorp
Classification: Uncertain significance for Familial episodic pain syndrome with predominantly lower limb involvement; Hereditary sensory and autonomic neuropathy type 7. Last evaluated: 2025-04-29. Review status: criteria provided, single submitter. Criteria: Invitae Variant Classification Sherloc (09022015). Collection method: clinical testing. Allele origin: germline.
Comment: This sequence change replaces asparagine, which is neutral and polar, with serine, which is neutral and polar, at codon 1230 of the SCN11A protein (p.Asn1230Ser). This variant is present in population databases (rs765543089, gnomAD 0.01%). This variant has not been reported in the literature in individuals affected with SCN11A-related conditions. ClinVar contains an entry for this variant (Variation ID: 541552). Invitae Evidence Modeling of protein sequence and biophysical properties (such as structural, functional, and spatial information, amino acid conservation, physicochemical variation, residue mobility, and thermodynamic stability) indicates that this missense variant is not expected to disrupt SCN11A protein function with a negative predictive value of 80%. In summary, the available evidence is currently insufficient to determine the role of this variant in disease. Therefore, it has been classified as a Variant of Uncertain Significance.